The following is an entry in ClinVar:

NM_000883.4(IMPDH1):c.260C>T (p.Ala87Val)

Gene: IMPDH1 (inosine monophosphate dehydrogenase 1; minus strand). Cytogenetic location: 7q32.1.
Variant type: single nucleotide variant.
Coding change: c.260C>T on transcript NM_000883.4 (MANE Select); coding-DNA position 260, C replaced by T.
Protein change: p.Ala87Val; replaces alanine 87 with valine.
Molecular consequence: missense variant. On other transcripts: intron variant (2).
Genome position (GRCh38, 1-based): chr7:128,405,860, G>A on the plus strand (C>T on the coding strand, the complement: IMPDH1 is on the minus strand). VCF-style: chr7-128405860-G-A. GRCh37 (hg19) VCF-style: chr7-128045914-G-A.
Other names: c.230C>T, p.Ala77Val (NM_001102605.2); c.5C>T, p.Ala2Val (NM_001142573.2, NM_001142574.2, NM_001142575.2); c.152C>T, p.Ala51Val (NM_183243.3); c.147-2106C>T (NM_001304521.2); c.255-2106C>T (NM_001142576.2); short protein forms A2V, A77V, A51V, A87V.
Identifiers: ClinVar variation 2700432 (VCV002700432.3), dbSNP rs1487790879, ClinGen allele CA369178707.

ClinVar aggregate classification (germline): Uncertain significance (1 of 4 stars; one submission).

Allele frequency attached by ClinVar (database versions not stated): gnomAD exomes below 0.00001.
gnomAD v4.1: 1 of 1,526,966 alleles (0.000065%); highest among the groups gnomAD compares: Admixed American, 0.002%; no homozygotes.

Submission:

Labcorp Genetics (formerly Invitae), Labcorp
Classification: Uncertain significance. Last evaluated: 2023-12-02. Review status: criteria provided, single submitter. Criteria: Invitae Variant Classification Sherloc (09022015). Collection method: clinical testing. Allele origin: germline.
Comment: This sequence change replaces alanine, which is neutral and non-polar, with valine, which is neutral and non-polar, at codon 87 of the IMPDH1 protein (p.Ala87Val). The frequency data for this variant in the population databases is considered unreliable, as metrics indicate poor data quality at this position in the gnomAD database. This variant has not been reported in the literature in individuals affected with IMPDH1-related conditions. An algorithm developed to predict the effect of missense changes on protein structure and function (PolyPhen-2) suggests that this variant is likely to be tolerated. In summary, the available evidence is currently insufficient to determine the role of this variant in disease. Therefore, it has been classified as a Variant of Uncertain Significance.